The following is an entry in ClinVar:

NM_001365276.2(TNXB):c.7021G>A (p.Asp2341Asn)

Gene: TNXB (tenascin XB; minus strand). Cytogenetic location: 6p21.33.
Variant type: single nucleotide variant.
Coding change: c.7021G>A on transcript NM_001365276.2 (MANE Select); coding-DNA position 7021, G replaced by A.
Protein change: p.Asp2341Asn; replaces aspartic acid 2341 with asparagine.
Molecular consequence: missense variant.
Genome position (GRCh38, 1-based): chr6:32,062,304, C>T on the plus strand (G>A on the coding strand, the complement: TNXB is on the minus strand). VCF-style: chr6-32062304-C-T. GRCh37 (hg19) VCF-style: chr6-32030081-C-T.
Other names: c.7021G>A, p.Asp2341Asn (NM_019105.8); short protein forms D2341N.
Identifiers: ClinVar variation 1306524 (VCV001306524.2), dbSNP rs2151908126, ClinGen allele CA363554092.
Genomic context (GRCh38, chr6:32,062,304, plus strand): 5'-GGCCGGAGATGGTGACCCTGTCCTCATGTCCTGGCACCCGTGTTGCCTTGGGCTGCCCAT[C>T]CCCATTCTTGTACTGGACCAGGAAGTGGTCAAACTGTCCCTCGGGAACCGTCCAGGACAG-3'
Protein context (NP_001352205.1, residues 2331-2351): DHFLVQYKNG[Asp2341Asn]GQPKATRVPG

ClinVar aggregate classification (germline): Uncertain significance (1 of 4 stars; one submission).

Submission:

GeneDx
Classification: Uncertain significance. Last evaluated: 2019-06-14. Review status: criteria provided, single submitter. Criteria: GeneDx Variant Classification Process June 2021. Collection method: clinical testing. Allele origin: germline. Affected: yes.
Comment: Has not been previously published as pathogenic or benign to our knowledge; In silico analysis, which includes protein predictors and evolutionary conservation, supports that this variant does not alter protein structure/function; Not observed in large population cohorts (Lek et al., 2016)